The following is an entry in ClinVar:

ClinVar aggregate classification (germline): Uncertain significance (1 of 4 stars; one submission).

gnomAD v4.1: 41 of 1,548,848 alleles (0.0026%); highest among the groups gnomAD compares: African/African-American, 0.0041%; no homozygotes.

Submission:

GeneDx
Classification: Uncertain significance. Last evaluated: 2024-06-17. Review status: criteria provided, single submitter. Criteria: GeneDx Variant Classification Process June 2021. Collection method: clinical testing. Allele origin: germline. Affected: yes.
Comment: Not observed at significant frequency in large population cohorts (gnomAD); In silico analysis supports that this missense variant has a deleterious effect on protein structure/function; Has not been previously published as pathogenic or benign to our knowledge

NM_001292063.2(OTOG):c.3229A>T (p.Ile1077Phe)

Gene: OTOG (otogelin; plus strand). Cytogenetic location: 11p15.1.
Variant type: single nucleotide variant.
Coding change: c.3229A>T on transcript NM_001292063.2 (MANE Select); coding-DNA position 3229, A replaced by T.
Protein change: p.Ile1077Phe; replaces isoleucine 1077 with phenylalanine.
Molecular consequence: missense variant.
Genome position (GRCh38, 1-based): chr11:17,593,697, A>T. VCF-style: chr11-17593697-A-T. GRCh37 (hg19) VCF-style: chr11-17615244-A-T.
Other names: c.3265A>T, p.Ile1089Phe (NM_001277269.2); short protein forms I1077F, I1089F.
Identifiers: ClinVar variation 3391582 (VCV003391582.1).